The following is an entry in ClinVar:

NM_000059.4(BRCA2):c.2636C>G (p.Ser879Cys)

Gene: BRCA2 (BRCA2 DNA repair associated; plus strand). Cytogenetic location: 13q13.1.
Variant type: single nucleotide variant.
Coding change: c.2636C>G on transcript NM_000059.4 (MANE Select); coding-DNA position 2636, C replaced by G.
Protein change: p.Ser879Cys; replaces serine 879 with cysteine.
Molecular consequence: missense variant.
Genome position (GRCh38, 1-based): chr13:32,336,991, C>G. VCF-style: chr13-32336991-C-G. GRCh37 (hg19) VCF-style: chr13-32911128-C-G.
Other names: short protein forms S879C.
Identifiers: ClinVar variation 418755 (VCV000418755.6), dbSNP rs1064793412, ClinGen allele CA16619674.

ClinVar aggregate classification (germline): Conflicting classifications of pathogenicity. Review status: criteria provided, conflicting classifications (1 of 4 stars). 3 submissions from 3 submitters: Uncertain significance (2); Likely benign (1). Last evaluated 2023-03-23.

Conditions:
Hereditary cancer-predisposing syndrome. Also called: Hereditary neoplastic syndrome; Tumor predisposition; Neoplastic Syndromes, Hereditary; Hereditary Cancer Syndrome. Identifiers: Orphanet 140162, MedGen C0027672, MeSH D009386, MONDO:0015356.

Submissions (3):

University of Washington Department of Laboratory Medicine, University of Washington
Classification: Likely benign for Hereditary cancer-predisposing syndrome. Last evaluated: 2023-03-23. Review status: criteria provided, single submitter. Criteria: Dines et al. (Genet Med. 2020). Collection method: curation. Allele origin: germline.
Comment: Missense variant in a coldspot region where missense variants are very unlikely to be pathogenic (PMID:31911673).

BRCA2 exon 11 coldspot. Reclassification based on statistical prior probability.

Ambry Genetics
Classification: Uncertain significance for Hereditary cancer-predisposing syndrome. Last evaluated: 2021-06-10. Review status: criteria provided, single submitter. Criteria: Ambry Variant Classification Scheme 2023. Collection method: clinical testing. Allele origin: germline.
Comment: The p.S879C variant (also known as c.2636C>G), located in coding exon 10 of the BRCA2 gene, results from a C to G substitution at nucleotide position 2636. The serine at codon 879 is replaced by cysteine, an amino acid with dissimilar properties. This amino acid position is not well conserved in available vertebrate species. In addition, the in silico prediction for this alteration is inconclusive. Since supporting evidence is limited at this time, the clinical significance of this alteration remains unclear.

GeneDx
Classification: Uncertain significance. Last evaluated: 2015-03-20. Review status: criteria provided, single submitter. Criteria: GeneDx Variant Classification (06012015). Collection method: clinical testing. Allele origin: germline. Affected: yes.
Comment: This variant is denoted BRCA2 c.2636C>G at the cDNA level, p.Ser879Cys (S879C) at the protein level, and results in the change of a Serine to a Cysteine (TCT>TGT). Using alternate nomenclature, this variant would be defined as BRCA2 2864C>G. This variant has not, to our knowledge, been published in the literature as pathogenic or benign. BRCA2 Ser879Cys was not observed in approximately 6,500 individuals of European and African American ancestry in the NHLBI Exome Sequencing Project, indicating it is not a common benign variant in these populations. Since Serine and Cysteine differ in polarity, charge, size or other properties, this is considered a non-conservative amino acid substitution. BRCA2 Ser879Cys occurs at a position that is not conserved across species and is located in the region of interaction with NPM1 (UniProt) In silico analyses are inconsistent regarding the effect this variant may have on protein structure and function. Based on currently available information, it is unclear whether BRCA2 Ser879Cys is pathogenic or benign. We consider it to be a variant of uncertain significance.